The following is an entry in ClinVar:

NM_017780.4(CHD7):c.3502G>A (p.Asp1168Asn)

Gene: CHD7 (chromodomain helicase DNA binding protein 7; plus strand). Cytogenetic location: 8q12.2.
Variant type: single nucleotide variant.
Coding change: c.3502G>A on transcript NM_017780.4 (MANE Select); coding-DNA position 3502, G replaced by A.
Protein change: p.Asp1168Asn; replaces aspartic acid 1168 with asparagine.
Molecular consequence: missense variant. On other transcripts: intron variant (1).
Genome position (GRCh38, 1-based): chr8:60,828,786, G>A. VCF-style: chr8-60828786-G-A. GRCh37 (hg19) VCF-style: chr8-61741345-G-A.
Other names: c.1717-33443G>A (NM_001316690.1); short protein forms D1168N.
Identifiers: ClinVar variation 1051556 (VCV001051556.9), dbSNP rs2150761332, ClinGen allele CA371314386.

ClinVar aggregate classification (germline): Uncertain significance (1 of 4 stars; one submission).

Conditions:
CHARGE syndrome (CHARGE). Also called: Hittner Hirsch Kreh syndrome; CHARGE ASSOCIATION--COLOBOMA, HEART ANOMALY, CHOANAL ATRESIA, RETARDATION, GENITAL AND EAR ANOMALIES; Coloboma, heart anomaly, choanal atresia, retardation, genital and ear anomalies; CHARGE association; Hall-Hittner syndrome. Identifiers: Orphanet 138, MedGen C0265354, MONDO:0008965.

gnomAD v4.1: 1 of 1,613,472 alleles (0.000062%); highest among the groups gnomAD compares: Non-Finnish European, 0.000085%; no homozygotes.

Submission:

Labcorp Genetics (formerly Invitae), Labcorp
Classification: Uncertain significance for CHARGE syndrome. Last evaluated: 2020-07-22. Review status: criteria provided, single submitter. Criteria: Invitae Variant Classification Sherloc (09022015). Collection method: clinical testing. Allele origin: germline.
Comment: In summary, the available evidence is currently insufficient to determine the role of this variant in disease. Therefore, it has been classified as a Variant of Uncertain Significance. Algorithms developed to predict the effect of missense changes on protein structure and function are either unavailable or do not agree on the potential impact of this missense change (SIFT: "Tolerated"; PolyPhen-2: "Probably Damaging"; Align-GVGD: "Class C0"). This variant has not been reported in the literature in individuals with CHD7-related conditions. This variant is not present in population databases (ExAC no frequency). This sequence change replaces aspartic acid with asparagine at codon 1168 of the CHD7 protein (p.Asp1168Asn). The aspartic acid residue is highly conserved and there is a small physicochemical difference between aspartic acid and asparagine.